The following is an entry in ClinVar:

NM_001199107.2(TBC1D24):c.16T>C (p.Tyr6His)

Gene: TBC1D24 (TBC1 domain family member 24; plus strand). Cytogenetic location: 16p13.3.
Variant type: single nucleotide variant.
Coding change: c.16T>C on transcript NM_001199107.2 (MANE Select); coding-DNA position 16, T replaced by C.
Protein change: p.Tyr6His; replaces tyrosine 6 with histidine.
Molecular consequence: missense variant.
Genome position (GRCh38, 1-based): chr16:2,496,164, T>C. VCF-style: chr16-2496164-T-C. GRCh37 (hg19) VCF-style: chr16-2546165-T-C.
Other names: c.16T>C, p.Tyr6His (NM_020705.3); short protein forms Y6H.
Identifiers: ClinVar variation 2948527 (VCV002948527.3), dbSNP rs1596967306, ClinGen allele CA394374123.

ClinVar aggregate classification (germline): Uncertain significance (1 of 4 stars; one submission).

Conditions:
Autosomal dominant nonsyndromic hearing loss 65. Also called: Deafness, autosomal dominant 65; TBC1D24-Related Autosomal Dominant Nonsyndromic Hearing Loss (DFNA). Identifiers: Orphanet 90635, MedGen C3892048, MONDO:0014470, OMIM 616044.
Developmental and epileptic encephalopathy, 1 (DEE1). Also called: INFANTILE SPASM SYNDROME, X-LINKED 1; X-linked infantile spasms; West's syndrome; Tonic spasms with clustering, arrest of psychomotor development and hypsarrhythmia on EEG; X-Linked Infantile Spasm Syndrome; OHTAHARA SYNDROME, X-LINKED. Identifiers: MedGen C3463992, MONDO:0010632, OMIM 308350. Disease mechanism: loss of function.

Submission:

Labcorp Genetics (formerly Invitae), Labcorp
Classification: Uncertain significance for Developmental and epileptic encephalopathy, 1; Autosomal dominant nonsyndromic hearing loss 65. Last evaluated: 2023-06-04. Review status: criteria provided, single submitter. Criteria: Invitae Variant Classification Sherloc (09022015). Collection method: clinical testing. Allele origin: germline.
Comment: This sequence change replaces tyrosine, which is neutral and polar, with histidine, which is basic and polar, at codon 6 of the TBC1D24 protein (p.Tyr6His). This variant is not present in population databases (gnomAD no frequency). This variant has not been reported in the literature in individuals affected with TBC1D24-related conditions. Advanced modeling of protein sequence and biophysical properties (such as structural, functional, and spatial information, amino acid conservation, physicochemical variation, residue mobility, and thermodynamic stability) performed at Invitae indicates that this missense variant is expected to disrupt TBC1D24 protein function. In summary, the available evidence is currently insufficient to determine the role of this variant in disease. Therefore, it has been classified as a Variant of Uncertain Significance.